The following is an entry in ClinVar:

ClinVar aggregate classification (germline): Benign/Likely benign. Review status: criteria provided, multiple submitters, no conflicts (2 of 4 stars). 3 submissions from 3 submitters: Benign (1); Likely benign (2). Last evaluated 2026-07-09.

Conditions:
Hereditary cancer-predisposing syndrome. Also called: Tumor predisposition; Neoplastic Syndromes, Hereditary; Hereditary Cancer Syndrome; Hereditary neoplastic syndrome. Identifiers: Orphanet 140162, MedGen C0027672, MeSH D009386, MONDO:0015356.
Rhabdoid tumor predisposition syndrome 2 (RTPS2). Identifiers: Orphanet 231108, Orphanet 69077, MedGen C2750074, MONDO:0013224, OMIM 613325.

Allele frequency attached by ClinVar (database versions not stated): gnomAD 0.00001; gnomAD exomes below 0.00001; TOPMed 0.00001; ESP Exome Variant Server 0.00008.
gnomAD v4.1: 4 of 1,600,050 alleles (0.00025%); highest among the groups gnomAD compares: Non-Finnish European, 0.00034%; no homozygotes.

Submissions (3):

Myriad Genetics, Inc.
Classification: Benign for Rhabdoid tumor predisposition syndrome 2. Last evaluated: 2026-07-09. Review status: criteria provided, single submitter. Criteria: Myriad Autosomal Dominant, Autosomal Recessive and X-Linked Classification Criteria (2023). Collection method: clinical testing. Allele origin: unknown.
Comment: This variant is considered benign. This variant is a silent/synonymous amino acid change and it is not expected to impact splicing.

Labcorp Genetics (formerly Invitae), Labcorp
Classification: Likely benign for Rhabdoid tumor predisposition syndrome 2. Last evaluated: 2025-11-10. Review status: criteria provided, single submitter. Criteria: Invitae Variant Classification Sherloc (09022015). Collection method: clinical testing. Allele origin: germline.

Ambry Genetics
Classification: Likely benign for Hereditary cancer-predisposing syndrome. Last evaluated: 2019-09-20. Review status: criteria provided, single submitter. Criteria: Ambry Variant Classification Scheme 2023. Collection method: clinical testing. Allele origin: germline.

NM_003072.5(SMARCA4):c.975G>A (p.Val325=)

Gene: SMARCA4 (SWI/SNF related BAF chromatin remodeling complex subunit ATPase 4; plus strand). Cytogenetic location: 19p13.2.
Variant type: single nucleotide variant.
Coding change: c.975G>A on transcript NM_003072.5 (MANE Select); coding-DNA position 975, G replaced by A.
Protein change: p.Val325=; no amino-acid change (valine 325 retained).
Molecular consequence: synonymous variant. On other transcripts: non-coding transcript variant (1).
Genome position (GRCh38, 1-based): chr19:10,987,781, G>A. VCF-style: chr19-10987781-G-A. GRCh37 (hg19) VCF-style: chr19-11098457-G-A.
Other names: c.975G>A, p.Val325= (NM_001128844.3, NM_001128845.2, NM_001128846.2 and 5 more transcripts).
Identifiers: ClinVar variation 470474 (VCV000470474.14), dbSNP rs375764300, ClinGen allele CA305287479.